The following is an entry in ClinVar:

ClinVar aggregate classification (germline): Uncertain significance (1 of 4 stars; one submission).

Conditions:
Hereditary cancer-predisposing syndrome. Also called: Neoplastic Syndromes, Hereditary; Hereditary neoplastic syndrome; Tumor predisposition; Hereditary Cancer Syndrome. Identifiers: Orphanet 140162, MedGen C0027672, MeSH D009386, MONDO:0015356.

Submission:

Ambry Genetics
Classification: Uncertain significance for Hereditary cancer-predisposing syndrome. Last evaluated: 2023-03-12. Review status: criteria provided, single submitter. Criteria: Ambry Variant Classification Scheme 2023. Collection method: clinical testing. Allele origin: germline.
Comment: The p.S53G variant (also known as c.157A>G), located in coding exon 2 of the PDGFRA gene, results from an A to G substitution at nucleotide position 157. The serine at codon 53 is replaced by glycine, an amino acid with similar properties. This amino acid position is conserved. In addition, this alteration is predicted to be tolerated by in silico analysis. Since supporting evidence is limited at this time, the clinical significance of this alteration remains unclear.

NM_006206.6(PDGFRA):c.157A>G (p.Ser53Gly)

Gene: PDGFRA (platelet derived growth factor receptor alpha; plus strand). Cytogenetic location: 4q12.
Variant type: single nucleotide variant.
Coding change: c.157A>G on transcript NM_006206.6 (MANE Select); coding-DNA position 157, A replaced by G.
Protein change: p.Ser53Gly; replaces serine 53 with glycine.
Molecular consequence: missense variant.
Genome position (GRCh38, 1-based): chr4:54,261,202, A>G. VCF-style: chr4-54261202-A-G. GRCh37 (hg19) VCF-style: chr4-55127369-A-G.
Other names: c.157A>G, p.Ser53Gly (NM_001347827.2, NM_001347829.2); c.232A>G, p.Ser78Gly (NM_001347828.2); c.196A>G, p.Ser66Gly (NM_001347830.2); short protein forms S66G, S53G, S78G.
Identifiers: ClinVar variation 2453876 (VCV002453876.2), dbSNP rs2110242203, ClinGen allele CA356888370.